The following is an entry in ClinVar:

NM_001127453.2(GSDME):c.1085_1097dup (p.Leu367fs)

Gene: GSDME (gasdermin E; minus strand). Cytogenetic location: 7p15.3.
Variant type: Duplication.
Coding change: c.1085_1097dup on transcript NM_001127453.2 (MANE Select); coding-DNA positions 1085 to 1097, 13 bases duplicated (TGGTGGGGTGCAG).
Protein change: p.Leu367fs; shifts the reading frame from leucine 367.
Molecular consequence: frameshift variant.
Genome position (GRCh38, 1-based): chr7:24,706,270-24,706,282, CTGCACCCCACCA duplicated on the plus strand (TGGTGGGGTGCAG on the coding strand, the reverse complement: GSDME is on the minus strand). VCF-style (leftmost placement, unchanged base first): chr7-24706269-G-GCTGCACCCCACCA. GRCh37 (hg19) VCF-style: chr7-24745888-G-GCTGCACCCCACCA.
Other names: c.593_605dup, p.Leu203fs (NM_001127454.2); c.1085_1097dup, p.Leu367fs (NM_004403.3); short protein forms L203fs, L367fs.
Identifiers: ClinVar variation 2504218 (VCV002504218.1), dbSNP rs2534973579, ClinGen allele CA2580615863.
Genomic context (GRCh38, chr7:24,706,269, plus strand): 5'-GGCTGTCATAAACAGCTGCTTGCTGCCTGCATCCTCGGGGCCCGGACACCCACCCTGTAA[G>GCTGCACCCCACCA]CTGCACCCCACCAGCTGCAGGAAGGCCACAAGGTCCTGCTGCTGCCGGGGCTTCAGCTCC-3'

ClinVar aggregate classification (germline): Uncertain significance (1 of 4 stars; one submission).

Submission:

GeneDx
Classification: Uncertain significance. Last evaluated: 2022-12-02. Review status: criteria provided, single submitter. Criteria: GeneDx Variant Classification Process June 2021. Collection method: clinical testing. Allele origin: germline. Affected: yes.
Comment: Frameshift variant predicted to result in protein truncation, as the last 130 amino acids are replaced with 36 different amino acids; Not observed at significant frequency in large population cohorts (gnomAD); Has not been previously published as pathogenic or benign to our knowledge